The following is an entry in ClinVar:

ClinVar aggregate classification (germline): Uncertain significance. Review status: criteria provided, multiple submitters, no conflicts (2 of 4 stars). 4 submissions from 4 submitters: Uncertain significance (4). Last evaluated 2025-12-08.

Allele frequency attached by ClinVar (database versions not stated): gnomAD exomes below 0.00001 and 0.00002; TOPMed 0.00001; ExAC 0.00003.
gnomAD v4.1: 5 of 1,593,434 alleles (0.00031%); highest among the groups gnomAD compares: East Asian, 0.0091%; no homozygotes.

Submissions (4):

Labcorp Genetics (formerly Invitae), Labcorp
Classification: Uncertain significance. Last evaluated: 2025-12-08. Review status: criteria provided, single submitter. Criteria: Invitae Variant Classification Sherloc (09022015). Collection method: clinical testing. Allele origin: germline.
Comment: This sequence change replaces alanine, which is neutral and non-polar, with threonine, which is neutral and polar, at codon 2 of the RECQL protein (p.Ala2Thr). This variant is present in population databases (rs775618773, gnomAD 0.03%). This variant has not been reported in the literature in individuals affected with RECQL-related conditions. ClinVar contains an entry for this variant (Variation ID: 1355759). An algorithm developed to predict the effect of missense changes on protein structure and function (PolyPhen-2) suggests that this variant is likely to be tolerated. In summary, the available evidence is currently insufficient to determine the role of this variant in disease. Therefore, it has been classified as a Variant of Uncertain Significance.

Quest Diagnostics Nichols Institute San Juan Capistrano
Classification: Uncertain significance. Last evaluated: 2025-08-05. Review status: criteria provided, single submitter. Criteria: Quest Diagnostics criteria. Collection method: clinical testing. Allele origin: unknown.
Comment: The RECQL c.4G>A (p.Ala2Thr) variant has been reported in breast cancer cases as well as reportedly unaffected individuals in a large-scale breast cancer association study (PMID: 33471991 (2021), see also LOVD). The frequency of this variant in the general population (Genome Aggregation Database) is uninformative in the assessment of its pathogenicity. Analysis of this variant using bioinformatics tools for the prediction of the effect of amino acid changes on protein structure and function yielded predictions that this variant is benign. Based on the available information, we are unable to determine the clinical significance of this variant.

Ambry Genetics
Classification: Uncertain significance. Last evaluated: 2024-05-26. Review status: criteria provided, single submitter. Criteria: Ambry Variant Classification Scheme 2023. Collection method: clinical testing. Allele origin: germline.

GeneDx
Classification: Uncertain significance. Last evaluated: 2022-07-29. Review status: criteria provided, single submitter. Criteria: GeneDx Variant Classification Process June 2021. Collection method: clinical testing. Allele origin: germline. Affected: yes.
Comment: Not observed at significant frequency in large population cohorts (gnomAD); In silico analysis supports that this missense variant does not alter protein structure/function; Has not been previously published as pathogenic or benign to our knowledge; This variant is associated with the following publications: (PMID: 27248010)

Literature cited by the submitters: PubMed 33471991 (cited by Quest Diagnostics Nichols Institute San Juan Capistrano).

NM_002907.4(RECQL):c.4G>A (p.Ala2Thr)

Gene: RECQL (RecQ like helicase; minus strand). Cytogenetic location: 12p12.1.
Variant type: single nucleotide variant.
Coding change: c.4G>A on transcript NM_002907.4 (MANE Select); coding-DNA position 4, G replaced by A.
Protein change: p.Ala2Thr; replaces alanine 2 with threonine.
Molecular consequence: missense variant.
Genome position (GRCh38, 1-based): chr12:21,499,567, C>T on the plus strand (G>A on the coding strand, the complement: RECQL is on the minus strand). VCF-style: chr12-21499567-C-T. GRCh37 (hg19) VCF-style: chr12-21652501-C-T.
Other names: c.4G>A, p.Ala2Thr (NM_032941.3); c.4G>A (NM_002907.3); short protein forms A2T.
Identifiers: ClinVar variation 1355759 (VCV001355759.12), dbSNP rs775618773, ClinGen allele CA6479240.